The following is an entry in ClinVar:

NM_000169.3(GLA):c.337T>C (p.Phe113Leu)

Genes: GLA (galactosidase alpha; minus strand), RPL36A-HNRNPH2 (RPL36A-HNRNPH2 readthrough; plus strand). Cytogenetic location: Xq22.1.
Variant type: single nucleotide variant.
Coding change: c.337T>C on transcript NM_000169.3 (MANE Select); coding-DNA position 337, T replaced by C.
Protein change: p.Phe113Leu; replaces phenylalanine 113 with leucine.
Molecular consequence: missense variant. On other transcripts: non-coding transcript variant (3), intron variant (2).
Genome position (GRCh38, 1-based): chrX:101,403,843, A>G on the plus strand (T>C on the coding strand, the complement: GLA is on the minus strand). VCF-style: chrX-101403843-A-G. GRCh37 (hg19) VCF-style: chrX-100658831-A-G.
Other names: c.460T>C, p.Phe154Leu (NM_001406747.1, NM_001406749.1); c.337T>C, p.Phe113Leu (NM_001406748.1); c.301-8093A>G (NM_001199973.2); c.178-8093A>G (NM_001199974.2); short protein forms F113L, F154L.
Identifiers: ClinVar variation 222218 (VCV000222218.29), dbSNP rs869312142, ClinGen allele CA352519.

ClinVar aggregate classification (germline): Pathogenic. Review status: criteria provided, multiple submitters, no conflicts (2 of 4 stars). 12 submissions from 12 submitters: Pathogenic (10). 2 of the submissions do not count toward it. Last evaluated 2026-09-08.

Conditions:
Fabry disease, cardiac variant. Identifiers: MedGen C1970820.
Fabry disease. Also called: GLA DEFICIENCY; HEREDITARY DYSTOPIC LIPIDOSIS; Fabry's disease; Angiokeratoma corporis diffusum; Ceramide trihexosidosis; ALPHA-GALACTOSIDASE A DEFICIENCY. Identifiers: Orphanet 324, MedGen C0002986, MONDO:0010526, OMIM 301500, HP:0001071. Disease mechanism: loss of function, Fabry disease is due to inactivating mutations in the X-linked GLA gene resulting in deficiency of the enzyme Alpha Galactosidase-A..
Cardiovascular phenotype. Identifiers: MedGen CN230736.

Submissions (12):

Genomenon, Inc
Classification: Pathogenic for Fabry disease. Last evaluated: 2026-09-08. Review status: criteria provided, single submitter. Criteria: Genomenon Sequence Variant Interpretation Standards - Updated. Collection method: curation. Allele origin: germline. Affected: yes.
Comment: GLA p.Phe113Leu (c.337T>C) is a missense variant that changes the amino acid at codon 113 from Phenylalanine to Leucine. This variant has been observed in at least one proband with clinical features consistent with Fabry disease (PMID:31594250;32531501;37097439;21062768;38308295;33119553;34785703;38295534;9100224;30644091;35548424). The variant was found to segregate with disease in at least one affected family (PMID:33119553;35548424;33036343;31594250;30644091). Functional or patient cell studies have been reported (PMID:20505683;12938095;21598360;19287194;33119553;35548424;38295534;33036343;30644091;27657681). It is absent or not present at a significant frequency in gnomAD. In silico models predict that this variant is possibly or probably damaging. In conclusion, we classify GLA p.Phe113Leu (c.337T>C) as a pathogenic variant.

Serv. Biochemistry and Molecular genetics, Hospital Clinic de Barcelona, Hospital Clínic de Barcelona
Classification: Pathogenic for Fabry disease. Last evaluated: 2026-05-21. Review status: criteria provided, single submitter. Criteria: ACMG Guidelines, 2015. Collection method: clinical testing. Allele origin: germline. Inheritance: X-linked inheritance. Affected: yes. Observed: 7 variant alleles. Clinical features observed: Chronic kidney disease (HP:0012622), Hypertrophic cardiomyopathy (HP:0001639), Angiokeratoma (HP:0001014).
Comment: Classification reported in the manuscript using ACMG criteria/in silico tools: Pathogenic. Variant type: Missense; amino acid change: p.Phe113Leu. Criteria: PM1, PM2, PM5, PP2, PP3, PS1

Labcorp Genetics (formerly Invitae), Labcorp
Classification: Pathogenic for Fabry disease. Last evaluated: 2025-08-13. Review status: criteria provided, single submitter. Criteria: Invitae Variant Classification Sherloc (09022015). Collection method: clinical testing. Allele origin: germline.
Comment: This sequence change replaces phenylalanine, which is neutral and non-polar, with leucine, which is neutral and non-polar, at codon 113 of the GLA protein (p.Phe113Leu). This variant is not present in population databases (gnomAD no frequency). This missense change has been observed in individual(s) with Fabry disease, often with late onset (PMID: 16773563, 17555407, 32099817). It is commonly reported in individuals of Portuguese ancestry (PMID: 32099817). ClinVar contains an entry for this variant (Variation ID: 222218). Invitae Evidence Modeling of protein sequence and biophysical properties (such as structural, functional, and spatial information, amino acid conservation, physicochemical variation, residue mobility, and thermodynamic stability) indicates that this missense variant is expected to disrupt GLA protein function with a positive predictive value of 80%. Experimental studies have shown that this missense change affects GLA function (PMID: 16773563, 17555407, 32099817). For these reasons, this variant has been classified as Pathogenic.

GeneDx
Classification: Pathogenic. Last evaluated: 2024-03-08. Review status: criteria provided, single submitter. Criteria: GeneDx Variant Classification Process June 2021. Collection method: clinical testing. Allele origin: germline. Affected: yes.
Comment: Not observed at significant frequency in large population cohorts (gnomAD); In silico analysis supports that this missense variant has a deleterious effect on protein structure/function; This variant is associated with the following publications: (PMID: 25382311, 33036343, 25468652, 31519519, 33119553, 31200018, 33994139, 16773563, 19287194, 24386359, 21598360, 9100224, 17555407, 28728877, 32099817)

Molecular Diagnostic Laboratory for Inherited Cardiovascular Disease, Montreal Heart Institute
Classification: Pathogenic for Cardiovascular phenotype. Last evaluated: 2023-12-11. Review status: criteria provided, single submitter. Criteria: ACMG Guidelines, 2015. Collection method: clinical testing. Allele origin: germline. Affected: yes.
Comment: PS3, PS4, PP1_strong, PM2, PP2, PP3, PP4, PP5

Revvity Omics, Revvity
Classification: Pathogenic. Last evaluated: 2022-06-10. Review status: criteria provided, single submitter. Criteria: ACMG Guidelines, 2015. Collection method: clinical testing. Allele origin: germline.

Genome-Nilou Lab
Classification: Pathogenic for Fabry disease. Last evaluated: 2021-07-15. Review status: criteria provided, single submitter. Criteria: ACMG Guidelines, 2015. Collection method: clinical testing. Allele origin: germline. Affected: no.

Women's Health and Genetics/Laboratory Corporation of America, LabCorp
Classification: Pathogenic for Fabry disease. Last evaluated: 2020-07-08. Review status: criteria provided, single submitter. Criteria: LabCorp Variant Classification Summary - May 2015. Collection method: clinical testing. Allele origin: germline.
Comment: Variant summary: GLA c.337T>C (p.Phe113Leu) results in a non-conservative amino acid change in the encoded protein sequence. Five of five in-silico tools predict a damaging effect of the variant on protein function. The variant was absent in 183395 control chromosomes. c.337T>C has been reported in the literature in numerous individuals affected with Fabry Disease and is reported as a variant causing late-onset disease (Oliveria_2020, Park_2009, Nowak_2017). The variant showed significantly reduced alpha-Gal activity in both patient fibroblasts and COS-7 cells transfected with the variant, and showed responsive to 1-deoxygalactonojirimycin (DGJ) (Park_2009, Ishii_2007). One clinical diagnostic laboratory has submitted clinical-significance assessments for this variant to ClinVar after 2014 without evidence for independent evaluation. One laboratory classified the variant as pathogenic. Based on the evidence outlined above, the variant was classified as pathogenic.

Ambry Genetics
Classification: Pathogenic for Cardiovascular phenotype. Last evaluated: 2020-01-16. Review status: criteria provided, single submitter. Criteria: Ambry Variant Classification Scheme 2023. Collection method: clinical testing. Allele origin: germline.
Comment: The p.F113L pathogenic mutation (also known as c.337T>C), located in coding exon 2 of the GLA gene, results from a T to C substitution at nucleotide position 337. The phenylalanine at codon 113 is replaced by leucine, an amino acid with highly similar properties. Subsequently, this mutation has been reported as a Portuguese founder mutation, having been detected in multiple individuals and families with Fabry disease, frequently presenting with late-onset cardiac-variant phenotoype; however, additional features of Fabry disease in individuals with this mutation have also been reported (Spada M et al. Am. J. Hum. Genet., 2006 Jul;79:31-40; Park JY et al. Exp. Mol. Med., 2009 Jan;41:1-7; Nowak A et al. Mol. Genet. Metab., 2018 02;123:148-153; Azevedo O et al. Mol. Genet. Metab., 2019 Jul; Oliveira JP et al. Eur J Med Genet, 2019 Jun;103703). In addition, several functional assays have shown this mutation to result in reduced enzyme activity in vitro (Spada M et al. Am. J. Hum. Genet., 2006 Jul;79:31-40; Wu X et al. Hum. Mutat., 2011 Aug;32:965-77; Ishii S et al. Biochem. J., 2007 Sep;406:285-95; Park JY et al. Exp. Mol. Med., 2009 Jan;41:1-7). Based on the supporting evidence, this alteration is interpreted as a disease-causing mutation.

Center for Inherited Cardiovascular Diseases, IRCCS Fondazione Policlinico San Matteo
Classification: Pathogenic for Fabry disease. Last evaluated: 2019-12-16. Review status: criteria provided, single submitter. Criteria: Favalli et al. (J Am Coll Cardiol. 2016). Collection method: clinical testing. Allele origin: germline. Inheritance: X-linked inheritance. Affected: yes. Observed: 1 hemizygote.

OMIM
Classification: Pathogenic for FABRY DISEASE, CARDIAC VARIANT. Last evaluated: 2021-09-09. Review status: no assertion criteria provided. Collection method: literature only. Allele origin: germline. Not counted in ClinVar's aggregate classification.

Natera, Inc.
Classification: Pathogenic for Fabry disease. Last evaluated: 2021-05-21. Review status: no assertion criteria provided. Collection method: clinical testing. Allele origin: germline. Not counted in ClinVar's aggregate classification.

Literature cited by the submitters: PubMed 31594250 (cited by Genomenon, Inc); PubMed 32531501 (cited by Genomenon, Inc); PubMed 37097439 (cited by Genomenon, Inc); PubMed 21062768 (cited by Genomenon, Inc); PubMed 38308295 (cited by Genomenon, Inc); PubMed 33119553 (cited by Genomenon, Inc); PubMed 34785703 (cited by Genomenon, Inc); PubMed 38295534 (cited by Genomenon, Inc); PubMed 9100224 (cited by 3 submitters); PubMed 30644091 (cited by Genomenon, Inc); PubMed 35548424 (cited by Genomenon, Inc); PubMed 33036343 (cited by Genomenon, Inc); PubMed 20505683 (cited by Genomenon, Inc); PubMed 12938095 (cited by Genomenon, Inc); PubMed 21598360 (cited by Genomenon, Inc and Ambry Genetics); PubMed 19287194 (cited by 4 submitters); PubMed 27657681 (cited by Genomenon, Inc); PubMed 17555407 (cited by 4 submitters); PubMed 28728877 (cited by 3 submitters); PubMed 31200018 (cited by 4 submitters); PubMed 16773563 (cited by Labcorp Genetics (formerly Invitae), Labcorp and Ambry Genetics); PubMed 32099817 (cited by Labcorp Genetics (formerly Invitae), Labcorp); PubMed 24386359 (cited by Ambry Genetics); PubMed 25382311 (cited by Ambry Genetics); PubMed 31519519 (cited by Ambry Genetics).